The following is an entry in ClinVar:

NM_001005273.3(CHD3):c.5503G>A (p.Glu1835Lys)

Gene: CHD3 (chromodomain helicase DNA binding protein 3; plus strand). Cytogenetic location: 17p13.1.
Variant type: single nucleotide variant.
Coding change: c.5503G>A on transcript NM_001005273.3 (MANE Select); coding-DNA position 5503, G replaced by A.
Protein change: p.Glu1835Lys; replaces glutamic acid 1835 with lysine.
Molecular consequence: missense variant.
Genome position (GRCh38, 1-based): chr17:7,909,251, G>A. VCF-style: chr17-7909251-G-A. GRCh37 (hg19) VCF-style: chr17-7812569-G-A.
Other names: c.5680G>A, p.Glu1894Lys (NM_001005271.3); c.5401G>A, p.Glu1801Lys (NM_005852.4); short protein forms E1801K, E1835K, E1894K.
Identifiers: ClinVar variation 2647436 (VCV002647436.24), dbSNP rs1395649367, ClinGen allele CA397950096.
Genomic context (GRCh38, chr17:7,909,251, plus strand): 5'-TACCTGAACCTGTCGCAGGAGCCGGCGCACCCCGCCATGGCCCTCCACGCCCGCTTCGCC[G>A]AGGCCGAGTGCCTGGCCGAGAGCCACCAGCACCTCTCCAAGGAGTCGCTGGCGGGGAACA-3'
Protein context (NP_001005273.1, residues 1825-1845): PAMALHARFA[Glu1835Lys]AECLAESHQH

ClinVar aggregate classification (germline): Likely benign (1 of 4 stars; one submission).

Allele frequency attached by ClinVar (database versions not stated): gnomAD 0.00001; gnomAD exomes 0.00001; TOPMed 0.00001.
gnomAD v4.1: 13 of 1,554,280 alleles (0.00084%); highest among the groups gnomAD compares: Non-Finnish European, 0.001%; no homozygotes.

Submission:

CeGaT Center for Human Genetics Tuebingen
Classification: Likely benign. Last evaluated: 2023-07-01. Review status: criteria provided, single submitter. Criteria: CeGaT Center For Human Genetics Tuebingen Variant Classification Criteria Version 2. Collection method: clinical testing. Allele origin: germline. Affected: yes. Observed: 1 variant allele.
Comment: CHD3: PP2, PP3, BS2